The following is an entry in ClinVar:

ClinVar aggregate classification (germline): Uncertain significance. Review status: criteria provided, multiple submitters, no conflicts (2 of 4 stars). 3 submissions from 3 submitters: Uncertain significance (3). Last evaluated 2025-11-24.

Conditions:
Amyotrophic lateral sclerosis type 1 (ALS1). Also called: AMYOTROPHIC LATERAL SCLEROSIS 1, FAMILIAL. Identifiers: Orphanet 803, MedGen C1862939, MONDO:0007103, OMIM 105400.
Perry syndrome. Also called: PARKINSONISM WITH ALVEOLAR HYPOVENTILATION AND MENTAL DEPRESSION. Identifiers: Orphanet 178509, MedGen C1868594, MONDO:0008201, OMIM 168605.
Neuronopathy, distal hereditary motor, type 7B. Also called: HMN VIIB; NEURONOPATHY, DISTAL HEREDITARY MOTOR, AUTOSOMAL DOMINANT 14; NEURONOPATHY, DISTAL HEREDITARY MOTOR, HARDING TYPE VIIB; NEUROPATHY, DISTAL HEREDITARY MOTOR, HARDING TYPE VIIB; NEUROPATHY, DISTAL HEREDITARY MOTOR, WITH VOCAL CORD PARALYSIS, HARDING TYPE VIIB; Distal Hereditary Motor Neuronopathy Type 7B (dHMN7B). Identifiers: Orphanet 139589, MedGen C1843315, MONDO:0011879, OMIM 607641.
Inborn genetic diseases. Identifiers: MedGen C0950123, MeSH D030342.

Allele frequency attached by ClinVar (database versions not stated): gnomAD exomes below 0.00001; TOPMed 0.00001.

Submissions (3):

Labcorp Genetics (formerly Invitae), Labcorp
Classification: Uncertain significance for Amyotrophic lateral sclerosis type 1; Neuronopathy, distal hereditary motor, type 7B; Perry syndrome. Last evaluated: 2025-11-24. Review status: criteria provided, single submitter. Criteria: Invitae Variant Classification Sherloc (09022015). Collection method: clinical testing. Allele origin: germline.
Comment: This sequence change replaces isoleucine, which is neutral and non-polar, with threonine, which is neutral and polar, at codon 1045 of the DCTN1 protein (p.Ile1045Thr). This variant is not present in population databases (gnomAD no frequency). This variant has not been reported in the literature in individuals affected with DCTN1-related conditions. ClinVar contains an entry for this variant (Variation ID: 808774). Invitae Evidence Modeling of protein sequence and biophysical properties (such as structural, functional, and spatial information, amino acid conservation, physicochemical variation, residue mobility, and thermodynamic stability) indicates that this missense variant is not expected to disrupt DCTN1 protein function with a negative predictive value of 95%. In summary, the available evidence is currently insufficient to determine the role of this variant in disease. Therefore, it has been classified as a Variant of Uncertain Significance.

Ambry Genetics
Classification: Uncertain significance for Inborn genetic diseases. Last evaluated: 2023-12-15. Review status: criteria provided, single submitter. Criteria: Ambry Variant Classification Scheme 2023. Collection method: clinical testing. Allele origin: germline.

CeGaT Center for Human Genetics Tuebingen
Classification: Uncertain significance. Last evaluated: 2017-03-01. Review status: criteria provided, single submitter. Criteria: CeGaT Center For Human Genetics Tuebingen Variant Classification Criteria Version 2. Collection method: clinical testing. Allele origin: germline. Affected: yes. Observed: 1 variant allele.

NM_004082.5(DCTN1):c.3134T>C (p.Ile1045Thr)

Gene: DCTN1 (dynactin subunit 1; minus strand). Cytogenetic location: 2p13.1.
Variant type: single nucleotide variant.
Coding change: c.3134T>C on transcript NM_004082.5 (MANE Select); coding-DNA position 3134, T replaced by C.
Protein change: p.Ile1045Thr; replaces isoleucine 1045 with threonine.
Molecular consequence: missense variant. On other transcripts: non-coding transcript variant (1).
Genome position (GRCh38, 1-based): chr2:74,365,137, A>G on the plus strand (T>C on the coding strand, the complement: DCTN1 is on the minus strand). VCF-style: chr2-74365137-A-G. GRCh37 (hg19) VCF-style: chr2-74592264-A-G.
Other names: c.3083T>C, p.Ile1028Thr (NM_001378991.1); c.3065T>C, p.Ile1022Thr (NM_001378992.1); c.2732T>C, p.Ile911Thr (NM_023019.4, NM_001135041.3); c.3074T>C, p.Ile1025Thr (NM_001135040.3); c.3023T>C, p.Ile1008Thr (NM_001190836.2); c.3113T>C, p.Ile1038Thr (NM_001190837.2); short protein forms I1025T, I1038T, I1045T, I1008T, I911T, I1022T, I1028T.
Identifiers: ClinVar variation 808774 (VCV000808774.48), dbSNP rs1187766749, ClinGen allele CA347340029.
Genomic context (GRCh38, chr2:74,365,137, plus strand): 5'-CCAGCAATGCCAGAGACCAGAGTAGCAATGCCTGAAGGAGGAGGGCCCCGGAGTCCCTCA[A>G]TCGTGCGTTTGGACTGGCTGTTCAGACGCTGCTTTAGTTCTGCCTTCTCTGCCTCCAGCT-3'
Protein context (NP_004073.2, residues 1035-1055): QRLNSQSKRT[Ile1045Thr]EGLRGPPPSG